The following is an entry in ClinVar:

NM_020184.4(CNNM4):c.1922C>G (p.Thr641Ser)

Gene: CNNM4 (cyclin and CBS domain divalent metal cation transport mediator 4; plus strand). Cytogenetic location: 2q11.2.
Variant type: single nucleotide variant.
Coding change: c.1922C>G on transcript NM_020184.4 (MANE Select); coding-DNA position 1922, C replaced by G.
Protein change: p.Thr641Ser; replaces threonine 641 with serine.
Molecular consequence: missense variant.
Genome position (GRCh38, 1-based): chr2:96,799,622, C>G. VCF-style: chr2-96799622-C-G. GRCh37 (hg19) VCF-style: chr2-97465359-C-G.
Other names: short protein forms T641S.
Identifiers: ClinVar variation 1038477 (VCV001038477.8), dbSNP rs2079140400, ClinGen allele CA347705575.

ClinVar aggregate classification (germline): Uncertain significance (1 of 4 stars; one submission).

Submission:

Labcorp Genetics (formerly Invitae), Labcorp
Classification: Uncertain significance. Last evaluated: 2020-06-16. Review status: criteria provided, single submitter. Criteria: Invitae Variant Classification Sherloc (09022015). Collection method: clinical testing. Allele origin: germline.
Comment: In summary, the available evidence is currently insufficient to determine the role of this variant in disease. Therefore, it has been classified as a Variant of Uncertain Significance. Algorithms developed to predict the effect of sequence changes on RNA splicing suggest that this variant may create or strengthen a splice site, but this prediction has not been confirmed by published transcriptional studies. Algorithms developed to predict the effect of missense changes on protein structure and function (SIFT, PolyPhen-2, Align-GVGD) all suggest that this variant is likely to be tolerated, but these predictions have not been confirmed by published functional studies and their clinical significance is uncertain. This variant has not been reported in the literature in individuals with CNNM4-related conditions. This sequence change replaces threonine with serine at codon 641 of the CNNM4 protein (p.Thr641Ser). The threonine residue is moderately conserved and there is a small physicochemical difference between threonine and serine. This variant is not present in population databases (ExAC no frequency).